The following is an entry in ClinVar:

NM_001349253.2(SCN11A):c.1543G>C (p.Asp515His)

Gene: SCN11A (sodium voltage-gated channel alpha subunit 11; minus strand). Cytogenetic location: 3p22.2.
Variant type: single nucleotide variant.
Coding change: c.1543G>C on transcript NM_001349253.2 (MANE Select); coding-DNA position 1543, G replaced by C.
Protein change: p.Asp515His; replaces aspartic acid 515 with histidine.
Molecular consequence: missense variant.
Genome position (GRCh38, 1-based): chr3:38,905,252, C>G on the plus strand (G>C on the coding strand, the complement: SCN11A is on the minus strand). VCF-style: chr3-38905252-C-G. GRCh37 (hg19) VCF-style: chr3-38946743-C-G.
Other names: c.1543G>C, p.Asp515His (NM_014139.3); short protein forms D515H.
Identifiers: ClinVar variation 3757291 (VCV003757291.1).

ClinVar aggregate classification (germline): Uncertain significance (1 of 4 stars; one submission).

Conditions:
Hereditary sensory and autonomic neuropathy type 7. Also called: Neuropathy, hereditary sensory and autonomic, type VII; HSAN VII. Identifiers: Orphanet 391397, MedGen C3809882, MONDO:0014244, OMIM 615548.
Familial episodic pain syndrome with predominantly lower limb involvement. Also called: Episodic pain syndrome, familial, 3. Identifiers: Orphanet 391384, Orphanet 391392, MedGen C3809899, MONDO:0014247, OMIM 615552.

gnomAD v4.1: 2 of 1,614,126 alleles (0.00012%); no homozygotes.

Submission:

Labcorp Genetics (formerly Invitae), Labcorp
Classification: Uncertain significance for Familial episodic pain syndrome with predominantly lower limb involvement; Hereditary sensory and autonomic neuropathy type 7. Last evaluated: 2024-07-18. Review status: criteria provided, single submitter. Criteria: Invitae Variant Classification Sherloc (09022015). Collection method: clinical testing. Allele origin: germline.
Comment: This sequence change replaces aspartic acid, which is acidic and polar, with histidine, which is basic and polar, at codon 515 of the SCN11A protein (p.Asp515His). This variant is not present in population databases (gnomAD no frequency). This variant has not been reported in the literature in individuals affected with SCN11A-related conditions. An algorithm developed to predict the effect of missense changes on protein structure and function (PolyPhen-2) suggests that this variant is likely to be disruptive. In summary, the available evidence is currently insufficient to determine the role of this variant in disease. Therefore, it has been classified as a Variant of Uncertain Significance.